The following is an entry in ClinVar:

NM_001042492.3(NF1):c.7322-2A>G

Gene: NF1 (neurofibromin 1; plus strand). Cytogenetic location: 17q11.2.
Variant type: single nucleotide variant.
Coding change: c.7322-2A>G on transcript NM_001042492.3 (MANE Select); the canonical splice acceptor site of the intron before coding-DNA position 7322, A replaced by G.
Molecular consequence: splice acceptor variant.
Genome position (GRCh38, 1-based): chr17:31,350,181, A>G. VCF-style: chr17-31350181-A-G. GRCh37 (hg19) VCF-style: chr17-29677199-A-G.
Other names: c.7259-2A>G (NM_000267.3, NM_000267.4).
Identifiers: ClinVar variation 2581050 (VCV002581050.6), dbSNP rs2151574219, ClinGen allele CA399016939.
Genomic context (GRCh38, chr17:31,350,181, plus strand): 5'-CCTGTTTTAAGTCACACTTGTGATTTGTTAAATTTTTTAACCTGCCACCGTTTTCCTTTT[A>G]GCTTTACTTACAGTGTCTGAAGAAGTTCGAAGTCGCTGCAGCCTAAAACATAGAAAGTCA-3'

ClinVar aggregate classification (germline): Conflicting classifications of pathogenicity. Review status: criteria provided, conflicting classifications (1 of 4 stars). 3 submissions from 3 submitters: Pathogenic (1); Likely pathogenic (1); Uncertain significance (1). Last evaluated 2025-03-18.
ClinVar aggregate classification (somatic clinical impact): Tier I - Strong (1 of 4 stars; one submission).

Conditions:
Neurofibromatosis, type 1 (NF1). Also called: Neurofibromatosis, type I; NEUROFIBROMATOSIS, TYPE I, SOMATIC; VON RECKLINGHAUSEN DISEASE; Peripheral type neurofibromatosis. Identifiers: Orphanet 636, MedGen C0027831, MONDO:0018975, OMIM 162200. Disease mechanism: loss of function.
Hereditary cancer-predisposing syndrome. Also called: Neoplastic Syndromes, Hereditary; Hereditary Cancer Syndrome; Tumor predisposition; Hereditary neoplastic syndrome. Identifiers: Orphanet 140162, MedGen C0027672, MeSH D009386, MONDO:0015356.
Cardiovascular phenotype. Identifiers: MedGen CN230736.
Diffuse midline glioma, H3 K27M-mutant. Identifiers: MedGen C4289688, MONDO:0957196.

Submissions (4):

Ambry Genetics
Classification: Uncertain significance for Cardiovascular phenotype; Hereditary cancer-predisposing syndrome. Last evaluated: 2025-03-18. Review status: criteria provided, single submitter. Criteria: Ambry Variant Classification Scheme 2023. Collection method: clinical testing. Allele origin: germline.
Comment: The c.7259-2A>G intronic variant results from an A to G substitution two nucleotides upstream from coding exon 49 in the NF1 gene. Alterations that disrupt the canonical splice site are expected to result in aberrant splicing. In silico splice site analysis predicts that this alteration will weaken the native splice acceptor site and will result in the creation or strengthening of a novel splice acceptor site. The resulting transcript is predicted to be in-frame and is not expected to trigger nonsense-mediated mRNAdecay; although, direct evidence is unavailable. This nucleotide position is highly conserved in available vertebrate species. Based on the available evidence, the clinical significance of this variant remains unclear.

Labcorp Genetics (formerly Invitae), Labcorp
Classification: Likely pathogenic for Neurofibromatosis, type 1. Last evaluated: 2024-07-30. Review status: criteria provided, single submitter. Criteria: Invitae Variant Classification Sherloc (09022015). Collection method: clinical testing. Allele origin: germline.
Comment: This sequence change affects an acceptor splice site in intron 48 of the NF1 gene. It is expected to disrupt RNA splicing. Variants that disrupt the donor or acceptor splice site typically lead to a loss of protein function (PMID: 16199547), and loss-of-function variants in NF1 are known to be pathogenic (PMID: 10712197, 23913538). This variant is not present in population databases (gnomAD no frequency). This variant has not been reported in the literature in individuals affected with NF1-related conditions. ClinVar contains an entry for this variant (Variation ID: 2581050). Algorithms developed to predict the effect of sequence changes on RNA splicing suggest that this variant may disrupt the consensus splice site. In summary, the currently available evidence indicates that the variant is pathogenic, but additional data are needed to prove that conclusively. Therefore, this variant has been classified as Likely Pathogenic.

Institute for Genomic Medicine (IGM) Clinical Laboratory, Nationwide Children's Hospital
Classification: Tier I - Strong for Diffuse midline glioma, H3 K27M-mutant. Assertion type: diagnostic. Clinical significance: supports diagnosis. Last evaluated: 2022-11-09. Review status: criteria provided, single submitter. Criteria: AMP/ASCO/CAP Guidelines, 2017. Collection method: clinical testing. Allele origin: somatic. Affected: yes.
Comment: Variant has Tier I (strong) clinical significance as a diagnostic inclusion criterion in diffuse midline glioma, H3 K27M-mutant, based on the following evidence: 1) Documented in one or more cancer databases (e.g., St. Jude Pecan, COSMIC, CIViC, OncoKB). 2) Diagnostic for a specific tumor type/classification based on well-powered studies with expert-level consensus (Evidence Level B; PMIDs: 24705251, 28966033, 33433639, 34796414, 32862234, 34759345, 32582540, 35456430).

Suma Genomics
Classification: Pathogenic for Neurofibromatosis, type 1. Review status: criteria provided, single submitter. Criteria: ACMG Guidelines, 2015. Collection method: clinical testing. Allele origin: germline. Inheritance: Autosomal dominant inheritance. Affected: yes.

Literature cited by the submitters: PubMed 16199547 (cited by Labcorp Genetics (formerly Invitae), Labcorp); PubMed 10712197 (cited by Labcorp Genetics (formerly Invitae), Labcorp); PubMed 23913538 (cited by Labcorp Genetics (formerly Invitae), Labcorp); PubMed 24705251 (cited by Institute for Genomic Medicine (IGM) Clinical Laboratory, Nationwide Children's Hospital); PubMed 28966033 (cited by Institute for Genomic Medicine (IGM) Clinical Laboratory, Nationwide Children's Hospital); PubMed 33433639 (cited by Institute for Genomic Medicine (IGM) Clinical Laboratory, Nationwide Children's Hospital); PubMed 34796414 (cited by Institute for Genomic Medicine (IGM) Clinical Laboratory, Nationwide Children's Hospital); PubMed 32862234 (cited by Institute for Genomic Medicine (IGM) Clinical Laboratory, Nationwide Children's Hospital); PubMed 34759345 (cited by Institute for Genomic Medicine (IGM) Clinical Laboratory, Nationwide Children's Hospital); PubMed 32582540 (cited by Institute for Genomic Medicine (IGM) Clinical Laboratory, Nationwide Children's Hospital); PubMed 35456430 (cited by Institute for Genomic Medicine (IGM) Clinical Laboratory, Nationwide Children's Hospital).